The following is an entry in ClinVar:

ClinVar aggregate classification (germline): Uncertain significance (1 of 4 stars; one submission).

gnomAD v4.1: 1 of 1,605,068 alleles (0.000062%); highest among the groups gnomAD compares: Non-Finnish European, 0.000085%; no homozygotes.

Submission:

GeneDx
Classification: Uncertain significance. Last evaluated: 2024-06-26. Review status: criteria provided, single submitter. Criteria: GeneDx Variant Classification Process June 2021. Collection method: clinical testing. Allele origin: germline. Affected: yes.
Comment: Not observed at significant frequency in large population cohorts (gnomAD); In silico analysis supports that this missense variant has a deleterious effect on protein structure/function; Has not been previously published as pathogenic or benign to our knowledge

NM_182641.4(BPTF):c.2392C>T (p.Pro798Ser)

Gene: BPTF (bromodomain PHD finger transcription factor; plus strand). Cytogenetic location: 17q24.2.
Variant type: single nucleotide variant.
Coding change: c.2392C>T on transcript NM_182641.4 (MANE Select); coding-DNA position 2392, C replaced by T.
Protein change: p.Pro798Ser; replaces proline 798 with serine.
Molecular consequence: missense variant.
Genome position (GRCh38, 1-based): chr17:67,893,706, C>T. VCF-style: chr17-67893706-C-T. GRCh37 (hg19) VCF-style: chr17-65889822-C-T.
Other names: c.2770C>T, p.Pro924Ser (NM_004459.7); short protein forms P798S, P924S.
Identifiers: ClinVar variation 3393605 (VCV003393605.1).